The following is an entry in ClinVar:

NM_020937.4(FANCM):c.2389C>G (p.Pro797Ala)

Gene: FANCM (FA complementation group M; plus strand). Cytogenetic location: 14q21.2.
Variant type: single nucleotide variant.
Coding change: c.2389C>G on transcript NM_020937.4 (MANE Select); coding-DNA position 2389, C replaced by G.
Protein change: p.Pro797Ala; replaces proline 797 with alanine.
Molecular consequence: missense variant.
Genome position (GRCh38, 1-based): chr14:45,175,143, C>G. VCF-style: chr14-45175143-C-G. GRCh37 (hg19) VCF-style: chr14-45644346-C-G.
Other names: c.2389C>G (LRG_502t1, NM_020937.3); c.2311C>G, p.Pro771Ala (NM_001308133.2); short protein forms P797A, P771A.
Identifiers: ClinVar variation 313206 (VCV000313206.9), dbSNP rs144771929, ClinGen allele CA7169348.

ClinVar aggregate classification (germline): Uncertain significance. Review status: criteria provided, multiple submitters, no conflicts (2 of 4 stars). 3 submissions from 3 submitters: Uncertain significance (3). Last evaluated 2026-01-06.

Conditions:
Fanconi anemia (FA). Also called: Fanconi's anemia. Identifiers: Orphanet 84, MedGen C0015625, MeSH D005199, MONDO:0019391.

Allele frequency attached by ClinVar (database versions not stated): ExAC 0.00001; gnomAD 0.00001; TOPMed 0.00001; ESP Exome Variant Server 0.00008.

Submissions (3):

Labcorp Genetics (formerly Invitae), Labcorp
Classification: Uncertain significance for Fanconi anemia. Last evaluated: 2026-01-06. Review status: criteria provided, single submitter. Criteria: Invitae Variant Classification Sherloc (09022015). Collection method: clinical testing. Allele origin: germline.
Comment: This sequence change replaces proline, which is neutral and non-polar, with alanine, which is neutral and non-polar, at codon 797 of the FANCM protein (p.Pro797Ala). This variant is present in population databases (rs144771929, gnomAD 0.005%). This variant has not been reported in the literature in individuals affected with FANCM-related conditions. ClinVar contains an entry for this variant (Variation ID: 313206). An algorithm developed to predict the effect of missense changes on protein structure and function (PolyPhen-2) suggests that this variant is likely to be tolerated. In summary, the available evidence is currently insufficient to determine the role of this variant in disease. Therefore, it has been classified as a Variant of Uncertain Significance.

Quest Diagnostics Nichols Institute San Juan Capistrano
Classification: Uncertain significance. Last evaluated: 2024-04-15. Review status: criteria provided, single submitter. Criteria: Quest Diagnostics criteria. Collection method: clinical testing. Allele origin: unknown.
Comment: The FANCM c.2389C>G (p.Pro797Ala) variant has been reported in the published literature in individuals with breast cancer (PMID: 33471991 (2021), see also LOVD), in an individual with acute lymphoblastic leukemia (PMID: 35739278 (2022)), and in reportedly healthy individuals (PMIDs: 36707629 (2023) and 33471991 (2021), see also LOVD). The frequency of this variant in the general population, 0.000047 (6/128666 chromosomes (Genome Aggregation Database)), is uninformative in the assessment of its pathogenicity. Analysis of this variant using bioinformatics tools for the prediction of the effect of amino acid changes on protein structure and function yielded predictions that this variant is benign. Based on the available information, we are unable to determine the clinical significance of this variant.

GeneDx
Classification: Uncertain significance. Last evaluated: 2024-02-06. Review status: criteria provided, single submitter. Criteria: GeneDx Variant Classification Process June 2021. Collection method: clinical testing. Allele origin: germline. Affected: yes.
Comment: Not observed at significant frequency in large population cohorts (gnomAD); In silico analysis supports that this missense variant does not alter protein structure/function; Observed in 0/513 multiple myeloma cases and in 1/1569 unaffected controls (PMID: 28404951); This variant is associated with the following publications: (PMID: 35739278, 28404951)

Literature cited by the submitters: PubMed 33471991 (cited by Quest Diagnostics Nichols Institute San Juan Capistrano); PubMed 35739278 (cited by Quest Diagnostics Nichols Institute San Juan Capistrano); PubMed 36707629 (cited by Quest Diagnostics Nichols Institute San Juan Capistrano); PubMed 37349538 (cited by Quest Diagnostics Nichols Institute San Juan Capistrano).